The following is an entry in ClinVar:

NM_000059.4(BRCA2):c.4397T>G (p.Leu1466Ter)

Gene: BRCA2 (BRCA2 DNA repair associated; plus strand). Cytogenetic location: 13q13.1.
Variant type: single nucleotide variant.
Coding change: c.4397T>G on transcript NM_000059.4 (MANE Select); coding-DNA position 4397, T replaced by G.
Protein change: p.Leu1466Ter; replaces leucine 1466 with a stop codon.
Molecular consequence: nonsense.
Genome position (GRCh38, 1-based): chr13:32,338,752, T>G. VCF-style: chr13-32338752-T-G. GRCh37 (hg19) VCF-style: chr13-32912889-T-G.
Other names: short protein forms L1466*.
Identifiers: ClinVar variation 452963 (VCV000452963.3), dbSNP rs886040526, ClinGen allele CA387781122.
Genomic context (GRCh38, chr13:32,338,752, plus strand): 5'-TTGTAAATTTCTTTGATCAGAAACCAGAAGAATTGCATAACTTTTCCTTAAATTCTGAAT[T>G]ACATTCTGACATAAGAAAGAACAAAATGGACATTCTAAGTTATGAGGAAACAGACATAGT-3'

ClinVar aggregate classification (germline): Pathogenic. Review status: criteria provided, single submitter (1 of 4 stars). 2 submissions from 2 submitters: Pathogenic (1). 1 of the submissions does not count toward it. Last evaluated 2017-10-20.

Conditions:
Breast-ovarian cancer, familial, susceptibility to, 2 (BROVCA2). Also called: BRCA2 Hereditary Breast and Ovarian Cancer. Identifiers: Orphanet 145, MedGen C2675520, MONDO:0012933, OMIM 612555. Disease mechanism: loss of function.

Submissions (2):

GeneDx
Classification: Pathogenic. Last evaluated: 2017-10-20. Review status: criteria provided, single submitter. Criteria: GeneDx Variant Classification (06012015). Collection method: clinical testing. Allele origin: germline. Affected: yes.
Comment: This variant is denoted BRCA2 c.4397T>G at the cDNA level and p.Leu1466Ter (L1466X) at the proteinlevel. The substitution creates a nonsense variant, which changes a Leucine to a premature stop codon (TTA>TGA),and is predicted to cause loss of normal protein function through either protein truncation or nonsense-mediated mRNAdecay. Although this variant has not, to our knowledge, been reported in the literature, it is considered pathogenic

BRCAlab, Lund University
Classification: Pathogenic for Breast-ovarian cancer, familial, susceptibility to, 2. Last evaluated: 2020-03-02. Review status: no assertion criteria provided. Collection method: clinical testing. Allele origin: germline. Affected: yes. Not counted in ClinVar's aggregate classification.